The following is an entry in ClinVar:

ClinVar aggregate classification (germline): Benign (1 of 4 stars; one submission).

Conditions:
Familial hyperaldosteronism type III. Also called: FH III; Familial hyperaldosteronism type 3. Identifiers: Orphanet 251274, MedGen C3838758, MONDO:0013359, OMIM 613677.

Allele frequency attached by ClinVar (database versions not stated): 1000 Genomes Project 30x 0.00125; gnomAD 0.00033 and 0.00045; 1000 Genomes Project 0.00120.

Submission:

Illumina Laboratory Services, Illumina
Classification: Benign for Familial hyperaldosteronism type III. Last evaluated: 2018-01-13. Review status: criteria provided, single submitter. Criteria: ICSL Variant Classification Criteria 13 December 2019. Collection method: clinical testing. Allele origin: germline.
Comment: This variant was observed in the ICSL laboratory as part of a predisposition screen in an ostensibly healthy population. It had not been previously curated by ICSL or reported in the Human Gene Mutation Database (HGMD: prior to June 1st, 2018), and was therefore a candidate for classification through an automated scoring system. Utilizing variant allele frequency, disease prevalence and penetrance estimates, and inheritance mode, an automated score was calculated to assess if this variant is too frequent to cause the disease. Based on the score and internal cut-off values, a variant classified as benign is not then subjected to further curation. The score for this variant resulted in a classification of benign for this disease.

NM_000890.5(KCNJ5):c.*1310C>T

Gene: KCNJ5 (potassium inwardly rectifying channel subfamily J member 5; plus strand). Cytogenetic location: 11q24.3.
Variant type: single nucleotide variant.
Coding change: c.*1310C>T on transcript NM_000890.5 (MANE Select); 1310 bases downstream of the stop codon, C replaced by T.
Molecular consequence: 3 prime UTR variant.
Genome position (GRCh38, 1-based): chr11:128,918,041, C>T. VCF-style: chr11-128918041-C-T. GRCh37 (hg19) VCF-style: chr11-128787936-C-T.
Other names: c.*1310C>T (LRG_333t1, NM_001354169.2).
Identifiers: ClinVar variation 303666 (VCV000303666.6), dbSNP rs537850039, ClinGen allele CA10634167.
Genomic context (GRCh38, chr11:128,918,041, plus strand): 5'-GGAGGTGGAGGTTGCAGTGAGCCAAGATCATGCCACTGCACTCCAGCCTGGGCGACAGAG[C>T]GAGACTCCATCTCAAAAAAAAAAAAAACATCAGCATCTGCCCCAGTTGTGGCCAAGACAC-3'